The following is an entry in ClinVar:

ClinVar aggregate classification (germline): Uncertain significance (1 of 4 stars; one submission).

Allele frequency attached by ClinVar (database versions not stated): gnomAD exomes 0.00001 and 0.00002.
gnomAD v4.1: 11 of 1,587,850 alleles (0.00069%); highest among the groups gnomAD compares: Middle Eastern, 0.017%; no homozygotes.

Submission:

Labcorp Genetics (formerly Invitae), Labcorp
Classification: Uncertain significance. Last evaluated: 2022-08-09. Review status: criteria provided, single submitter. Criteria: Invitae Variant Classification Sherloc (09022015). Collection method: clinical testing. Allele origin: germline.
Comment: In summary, the available evidence is currently insufficient to determine the role of this variant in disease. Therefore, it has been classified as a Variant of Uncertain Significance. Algorithms developed to predict the effect of missense changes on protein structure and function (SIFT, PolyPhen-2, Align-GVGD) all suggest that this variant is likely to be tolerated. ClinVar contains an entry for this variant (Variation ID: 1484346). This variant has not been reported in the literature in individuals affected with SLC24A1-related conditions. The frequency data for this variant in the population databases is considered unreliable, as metrics indicate poor data quality at this position in the gnomAD database. This sequence change replaces glutamic acid, which is acidic and polar, with aspartic acid, which is acidic and polar, at codon 862 of the SLC24A1 protein (p.Glu862Asp).

NM_004727.3(SLC24A1):c.2586G>C (p.Glu862Asp)

Gene: SLC24A1 (solute carrier family 24 member 1; plus strand). Cytogenetic location: 15q22.31.
Variant type: single nucleotide variant.
Coding change: c.2586G>C on transcript NM_004727.3 (MANE Select); coding-DNA position 2586, G replaced by C.
Protein change: p.Glu862Asp; replaces glutamic acid 862 with aspartic acid.
Molecular consequence: missense variant.
Genome position (GRCh38, 1-based): chr15:65,650,735, G>C. VCF-style: chr15-65650735-G-C. GRCh37 (hg19) VCF-style: chr15-65943073-G-C.
Other names: c.567G>C, p.Glu189Asp (NM_001254740.2); c.2586G>C, p.Glu862Asp (NM_001301031.1); c.2532G>C, p.Glu844Asp (NM_001301032.1, NM_001301033.2); short protein forms E189D, E844D, E862D.
Identifiers: ClinVar variation 1484346 (VCV001484346.8), dbSNP rs1272298904, ClinGen allele CA392899825.